The following is an entry in ClinVar:

ClinVar aggregate classification (germline): Pathogenic (1 of 4 stars; one submission).

Conditions:
Hereditary breast ovarian cancer syndrome. Also called: Hereditary breast and ovarian cancer syndrome (HBOC); Hereditary breast and/or ovarian cancer syndrome; Hereditary breast and ovarian cancer; BRCA1- and BRCA2-Associated Hereditary Breast and Ovarian Cancer; Hereditary breast and ovarian cancer syndrome; Breast and ovarian cancer. Identifiers: Orphanet 145, MedGen C0677776, MeSH D061325, MONDO:0003582. Disease mechanism: loss of function.

Submission:

Labcorp Genetics (formerly Invitae), Labcorp
Classification: Pathogenic for Hereditary breast ovarian cancer syndrome. Last evaluated: 2020-10-19. Review status: criteria provided, single submitter. Criteria: Invitae Variant Classification Sherloc (09022015). Collection method: clinical testing. Allele origin: germline.
Comment: This variant is an out-of-frame deletion of the genomic region encompassing exons 13-19 of the BRCA1 gene. This creates a premature translational stop signal and is expected to result in an absent or disrupted protein product. Deletions of exons 13-19 have been observed in individuals and families affected with breast and/or ovarian cancer (PMID: 12960223, 15681486, 16551709, 20616022). They are also known as a deletion of exons 14-20 in the literature. Loss-of-function variants in BRCA1 are known to be pathogenic (PMID: 20104584). For these reasons, this variant has been classified as Pathogenic.

Literature cited by the submitters: PubMed 12960223; PubMed 15681486; PubMed 16551709; PubMed 20616022; PubMed 20104584.

NC_000017.10:g.(?_41209048)_(41228651_?)del

Gene: BRCA1 (BRCA1 DNA repair associated; minus strand). Cytogenetic location: 17q21.31.
Variant type: Deletion.
Identifiers: ClinVar variation 1073078 (VCV001073078.1).